The following is an entry in ClinVar:

NM_176824.3(BBS7):c.1981A>G (p.Lys661Glu)

Gene: BBS7 (Bardet-Biedl syndrome 7; minus strand). Cytogenetic location: 4q27.
Variant type: single nucleotide variant.
Coding change: c.1981A>G on transcript NM_176824.3 (MANE Select); coding-DNA position 1981, A replaced by G.
Protein change: p.Lys661Glu; replaces lysine 661 with glutamic acid.
Molecular consequence: missense variant.
Genome position (GRCh38, 1-based): chr4:121,828,179, T>C on the plus strand (A>G on the coding strand, the complement: BBS7 is on the minus strand). VCF-style: chr4-121828179-T-C. GRCh37 (hg19) VCF-style: chr4-122749334-T-C.
Other names: c.1981A>G, p.Lys661Glu (NM_018190.4); short protein forms K661E.
Identifiers: ClinVar variation 3348871 (VCV003348871.1).

ClinVar aggregate classification (germline): Uncertain significance (0 of 4 stars; one submission).

Conditions:
BBS7-related disorder. Also called: BBS7-related condition.

Submission:

PreventionGenetics, part of Exact Sciences
Classification: Uncertain significance for BBS7-related condition. Last evaluated: 2024-02-02. Review status: no assertion criteria provided. Collection method: clinical testing. Allele origin: germline.
Comment: The BBS7 c.1981A>G variant is predicted to result in the amino acid substitution p.Lys661Glu. To our knowledge, this variant has not been reported in the literature or in a large population database, indicating this variant is rare. At this time, the clinical significance of this variant is uncertain due to the absence of conclusive functional and genetic evidence.